The following is an entry in ClinVar:

NC_000001.10:g.(?_53407448)_(53407545_?)del

Gene: SCP2 (sterol carrier protein 2; plus strand). Cytogenetic location: 1p32.3.
Variant type: Deletion.
Identifiers: ClinVar variation 2424590 (VCV002424590.4).

ClinVar aggregate classification (germline): Pathogenic (1 of 4 stars; one submission).

Submission:

Labcorp Genetics (formerly Invitae), Labcorp
Classification: Pathogenic. Last evaluated: 2022-01-02. Review status: criteria provided, single submitter. Criteria: Invitae Variant Classification Sherloc (09022015). Collection method: clinical testing. Allele origin: germline.
Comment: For these reasons, this variant has been classified as Pathogenic. This variant has not been reported in the literature in individuals affected with SCP2-related conditions. This variant is a gross deletion of the genomic region encompassing exon(s) 2 of the SCP2 gene. This deletion is out-of-frame, and is expected to create a premature termination codon and result in an absent or disrupted protein product. Loss-of-function variants in SCP2 are known to be pathogenic (PMID: 16685654, 26497993).

Literature cited by the submitters: PubMed 16685654; PubMed 26497993.